The following is an entry in ClinVar:

ClinVar aggregate classification (germline): Pathogenic. Review status: criteria provided, multiple submitters, no conflicts (2 of 4 stars). 3 submissions from 3 submitters: Pathogenic (3). Last evaluated 2024-10-11.

Conditions:
Hereditary breast ovarian cancer syndrome. Also called: Hereditary breast and ovarian cancer; Hereditary breast and/or ovarian cancer syndrome; Hereditary breast and ovarian cancer syndrome; Hereditary breast and ovarian cancer syndrome (HBOC); Breast and ovarian cancer; BRCA1- and BRCA2-Associated Hereditary Breast and Ovarian Cancer. Identifiers: Orphanet 145, MedGen C0677776, MeSH D061325, MONDO:0003582. Disease mechanism: loss of function.
Hereditary cancer-predisposing syndrome. Also called: Neoplastic Syndromes, Hereditary; Hereditary Cancer Syndrome; Tumor predisposition; Hereditary neoplastic syndrome. Identifiers: Orphanet 140162, MedGen C0027672, MeSH D009386, MONDO:0015356.

Submissions (3):

Labcorp Genetics (formerly Invitae), Labcorp
Classification: Pathogenic for Hereditary breast ovarian cancer syndrome. Last evaluated: 2024-10-11. Review status: criteria provided, single submitter. Criteria: Invitae Variant Classification Sherloc (09022015). Collection method: clinical testing. Allele origin: germline.
Comment: This sequence change creates a premature translational stop signal (p.His595Glnfs*13) in the BRCA2 gene. It is expected to result in an absent or disrupted protein product. Loss-of-function variants in BRCA2 are known to be pathogenic (PMID: 20104584). This variant is not present in population databases (gnomAD no frequency). This variant has not been reported in the literature in individuals affected with BRCA2-related conditions. ClinVar contains an entry for this variant (Variation ID: 545781). RNA analysis performed to evaluate the impact of this premature translational stop signal on mRNA splicing indicates it does not significantly alter splicing (internal data). For these reasons, this variant has been classified as Pathogenic.

Ambry Genetics
Classification: Pathogenic for Hereditary cancer-predisposing syndrome. Last evaluated: 2023-04-19. Review status: criteria provided, single submitter. Criteria: Ambry Variant Classification Scheme 2023. Collection method: clinical testing. Allele origin: germline.
Comment: The c.1785_1803del19 pathogenic mutation, located in coding exon 9 of the BRCA2 gene, results from a deletion of 19 nucleotides at nucleotide positions 1785 to 1803, causing a translational frameshift with a predicted alternate stop codon (p.H595Qfs*13). This variant is considered to be rare based on population cohorts in the Genome Aggregation Database (gnomAD). This alteration is expected to result in loss of function by premature protein truncation or nonsense-mediated mRNA decay. As such, this alteration is interpreted as a disease-causing mutation.

GeneDx
Classification: Pathogenic. Last evaluated: 2017-04-13. Review status: criteria provided, single submitter. Criteria: GeneDx Variant Classification (06012015). Collection method: clinical testing. Allele origin: germline. Affected: yes.
Comment: This deletion of 19 nucleotides in BRCA2 is denoted c.1785_1803del19 at the cDNA level and p.His595GlnfsX13 (H595QfsX13) at the protein level. Using alternate nomenclature, this variant would be defined as BRCA2 2013_2031del19. The surrounding sequence is TACA[del19]GGAA. The deletion causes a frameshift which changes a Histidine to a Glutamine at codon 595, and creates a premature stop codon at position 13 of the new reading frame. Although this variant has not, to our knowledge, been reported in the literature, it is predicted to cause loss of normal protein function through either protein truncation or nonsense-mediated mRNA decay. We consider this variant to be pathogenic.

Literature cited by the submitters: PubMed 20104584 (cited by Labcorp Genetics (formerly Invitae), Labcorp).

NM_000059.4(BRCA2):c.1785_1803del (p.His595fs)

Gene: BRCA2 (BRCA2 DNA repair associated; plus strand). Cytogenetic location: 13q13.1.
Variant type: Deletion.
Coding change: c.1785_1803del on transcript NM_000059.4 (MANE Select); coding-DNA positions 1785 to 1803, 19 bases deleted (TGATGAAACATCTTATAAA).
Protein change: p.His595fs; shifts the reading frame from histidine 595.
Molecular consequence: frameshift variant.
Genome position (GRCh38, 1-based): chr13:32,333,263-32,333,281, TGATGAAACATCTTATAAA deleted; deleting any 19 consecutive bases within chr13:32,333,262-32,333,281 gives the same sequence; the c. name uses the placement nearest the transcript's 3' end. VCF-style (leftmost placement, unchanged base first): chr13-32333261-CATGATGAAACATCTTATAA-C. GRCh37 (hg19) VCF-style: chr13-32907398-CATGATGAAACATCTTATAA-C.
Other names: c.1785_1803delTGATGAAACATCTTATAAA (NM_000059.3); c.1785_1803del19 (NM_000059.3); short protein forms H595fs.
Identifiers: ClinVar variation 545781 (VCV000545781.14), dbSNP rs1555282073, ClinGen allele CA658823586.